The following is an entry in ClinVar:

NM_003047.5(SLC9A1):c.804C>T (p.Ala268=)

Gene: SLC9A1 (solute carrier family 9 member A1; minus strand). Cytogenetic location: 1p36.11.
Variant type: single nucleotide variant.
Coding change: c.804C>T on transcript NM_003047.5 (MANE Select); coding-DNA position 804, C replaced by T.
Protein change: p.Ala268=; no amino-acid change (alanine 268 retained).
Molecular consequence: synonymous variant.
Genome position (GRCh38, 1-based): chr1:27,113,835, G>A on the plus strand (C>T on the coding strand, the complement: SLC9A1 is on the minus strand). VCF-style: chr1-27113835-G-A. GRCh37 (hg19) VCF-style: chr1-27440326-G-A.
Identifiers: ClinVar variation 4986944 (VCV004986944.1).
Genomic context (GRCh38, chr1:27,113,835, plus strand): 5'-GGATTTGGGTTTGTACCGTTTGGACATGGGCATGGCCCCTGGCCTCCTCACCACAGTGAC[G>A]GCGTCATTGAGCAAGGACTCCCCAAAAACAAGGATGTGCAGCAGCTCATTGATGTGAATT-3'
Protein context (NP_003038.2, residues 258-278): LVFGESLLND[Ala268=]VTVVLYHLFE

ClinVar aggregate classification (germline): Likely benign (1 of 4 stars; one submission).

Conditions:
SLC9A1-related disorder. Also called: SLC9A1-related condition.

gnomAD v4.1: 11 of 1,611,294 alleles (0.00068%); highest among the groups gnomAD compares: Admixed American, 0.0067%; no homozygotes.

Submission:

PreventionGenetics, part of Exact Sciences
Classification: Likely benign for SLC9A1-related condition. Last evaluated: 2026-09-09. Review status: criteria provided, single submitter. Criteria: ACMG Guidelines, 2015. Collection method: clinical testing. Allele origin: germline.
Comment: This variant is classified as likely benign based on ACMG/AMP sequence variant interpretation guidelines (Richards et al. 2015 PMID: 25741868, with internal and published modifications).